The following is an entry in ClinVar:

ClinVar aggregate classification (germline): Uncertain significance (1 of 4 stars; one submission).

Allele frequency attached by ClinVar (database versions not stated): TOPMed below 0.00001; gnomAD 0.00001.
gnomAD v4.1: 1 of 1,611,040 alleles (0.000062%); highest among the groups gnomAD compares: African/African-American, 0.0013%; no homozygotes.

Submission:

Labcorp Genetics (formerly Invitae), Labcorp
Classification: Uncertain significance. Last evaluated: 2023-04-30. Review status: criteria provided, single submitter. Criteria: Invitae Variant Classification Sherloc (09022015). Collection method: clinical testing. Allele origin: germline.
Comment: In summary, the available evidence is currently insufficient to determine the role of this variant in disease. Therefore, it has been classified as a Variant of Uncertain Significance. Advanced modeling of protein sequence and biophysical properties (such as structural, functional, and spatial information, amino acid conservation, physicochemical variation, residue mobility, and thermodynamic stability) has been performed at Invitae for this missense variant, however the output from this modeling did not meet the statistical confidence thresholds required to predict the impact of this variant on ARID1B protein function. This variant has not been reported in the literature in individuals affected with ARID1B-related conditions. This variant is not present in population databases (gnomAD no frequency). This sequence change replaces glutamine, which is neutral and polar, with proline, which is neutral and non-polar, at codon 1591 of the ARID1B protein (p.Gln1591Pro).

NM_001374828.1(ARID1B):c.5141A>C (p.Gln1714Pro)

Gene: ARID1B (AT-rich interaction domain 1B; plus strand). Cytogenetic location: 6q25.3.
Variant type: single nucleotide variant.
Coding change: c.5141A>C on transcript NM_001374828.1 (MANE Select); coding-DNA position 5141, A replaced by C.
Protein change: p.Gln1714Pro; replaces glutamine 1714 with proline.
Molecular consequence: missense variant.
Genome position (GRCh38, 1-based): chr6:157,201,366, A>C. VCF-style: chr6-157201366-A-C. GRCh37 (hg19) VCF-style: chr6-157522500-A-C.
Other names: c.4892A>C, p.Gln1631Pro (NM_001346813.1); c.2642A>C, p.Gln881Pro (NM_001363725.2); c.5021A>C, p.Gln1674Pro (NM_001371656.1, NM_001374820.1); c.4982A>C, p.Gln1661Pro (NM_017519.3); c.4772A>C, p.Gln1591Pro (NM_020732.3); c.4559A>C, p.Gln1520Pro (NM_175863.2); short protein forms Q1631P, Q1661P, Q1591P, Q1674P, Q1714P, Q1520P, Q881P.
Identifiers: ClinVar variation 2802941 (VCV002802941.3), dbSNP rs1421604716, ClinGen allele CA366242760.